The following is an entry in ClinVar:

ClinVar aggregate classification (germline): Uncertain significance (1 of 4 stars; one submission).

gnomAD v4.1: 33 of 1,614,134 alleles (0.002%); highest among the groups gnomAD compares: Non-Finnish European, 0.0028%; no homozygotes.

Submission:

Labcorp Genetics (formerly Invitae), Labcorp
Classification: Uncertain significance. Last evaluated: 2024-08-14. Review status: criteria provided, single submitter. Criteria: Invitae Variant Classification Sherloc (09022015). Collection method: clinical testing. Allele origin: germline.
Comment: This sequence change replaces glutamic acid, which is acidic and polar, with lysine, which is basic and polar, at codon 582 of the BACH2 protein (p.Glu582Lys). This variant is not present in population databases (gnomAD no frequency). This variant has not been reported in the literature in individuals affected with BACH2-related conditions. Invitae Evidence Modeling of protein sequence and biophysical properties (such as structural, functional, and spatial information, amino acid conservation, physicochemical variation, residue mobility, and thermodynamic stability) indicates that this missense variant is expected to disrupt BACH2 protein function with a positive predictive value of 80%. In summary, the available evidence is currently insufficient to determine the role of this variant in disease. Therefore, it has been classified as a Variant of Uncertain Significance.

NM_021813.4(BACH2):c.1744G>A (p.Glu582Lys)

Gene: BACH2 (BACH transcriptional regulator 2; minus strand). Cytogenetic location: 6q15.
Variant type: single nucleotide variant.
Coding change: c.1744G>A on transcript NM_021813.4 (MANE Select); coding-DNA position 1744, G replaced by A.
Protein change: p.Glu582Lys; replaces glutamic acid 582 with lysine.
Molecular consequence: missense variant.
Genome position (GRCh38, 1-based): chr6:89,950,362, C>T on the plus strand (G>A on the coding strand, the complement: BACH2 is on the minus strand). VCF-style: chr6-89950362-C-T. GRCh37 (hg19) VCF-style: chr6-90660081-C-T.
Other names: c.1744G>A, p.Glu582Lys (NM_001170794.2); short protein forms E582K.
Identifiers: ClinVar variation 3612168 (VCV003612168.2).